The following is an entry in ClinVar:

NM_013266.4(CTNNA3):c.2686T>C (p.Ter896Arg)

Gene: CTNNA3 (catenin alpha 3; minus strand). Cytogenetic location: 10q21.3.
Variant type: single nucleotide variant.
Coding change: c.2686T>C on transcript NM_013266.4 (MANE Select); coding-DNA position 2686, T replaced by C.
Protein change: p.Ter896Arg.
Molecular consequence: stop lost.
Genome position (GRCh38, 1-based): chr10:65,920,332, A>G on the plus strand (T>C on the coding strand, the complement: CTNNA3 is on the minus strand). VCF-style: chr10-65920332-A-G. GRCh37 (hg19) VCF-style: chr10-67680090-A-G.
Other names: c.2686T>C, p.Ter896Arg (NM_001127384.3).
Identifiers: ClinVar variation 1037873 (VCV001037873.6), dbSNP rs2077062157, ClinGen allele CA377088576.

ClinVar aggregate classification (germline): Uncertain significance (1 of 4 stars; one submission).

Conditions:
Arrhythmogenic right ventricular dysplasia 13. Also called: Arrhythmogenic right ventricular dysplasia, familial, 13; ARRHYTHMOGENIC RIGHT VENTRICULAR CARDIOMYOPATHY 13. Identifiers: MedGen C3810138, MONDO:0000908, OMIM 615616.

gnomAD v4.1: 2 of 1,612,922 alleles (0.00012%); highest among the groups gnomAD compares: Non-Finnish European, 0.00017%; no homozygotes.

Submission:

Labcorp Genetics (formerly Invitae), Labcorp
Classification: Uncertain significance for Arrhythmogenic right ventricular dysplasia 13. Last evaluated: 2020-03-14. Review status: criteria provided, single submitter. Criteria: Invitae Variant Classification Sherloc (09022015). Collection method: clinical testing. Allele origin: germline.
Comment: This variant has not been reported in the literature in individuals with CTNNA3-related conditions. In summary, the available evidence is currently insufficient to determine the role of this variant in disease. Therefore, it has been classified as a Variant of Uncertain Significance. Experimental studies and prediction algorithms are not available or were not evaluated, and the functional significance of this variant is currently unknown. This variant is not present in population databases (ExAC no frequency). This sequence change disrupts the translational stop signal of the CTNNA3 mRNA. It is expected to extend the length of the CTNNA3 protein by 39 additional amino acid residues.